The following is an entry in ClinVar:

NM_004453.4(ETFDH):c.606+3T>G

Gene: ETFDH (electron transfer flavoprotein dehydrogenase; plus strand). Cytogenetic location: 4q32.1.
Variant type: single nucleotide variant.
Coding change: c.606+3T>G on transcript NM_004453.4 (MANE Select); 3 bases into the intron after coding-DNA position 606, T replaced by G.
Molecular consequence: intron variant.
Genome position (GRCh38, 1-based): chr4:158,685,222, T>G. VCF-style: chr4-158685222-T-G. GRCh37 (hg19) VCF-style: chr4-159606374-T-G.
Other names: c.465+3T>G (NM_001281737.2); c.423+3T>G (NM_001281738.1).
Identifiers: ClinVar variation 3032131 (VCV003032131.3), dbSNP rs1240083485, ClinGen allele CA789722899.

ClinVar aggregate classification (germline): Conflicting classifications of pathogenicity. Review status: no assertion criteria provided (0 of 4 stars). 2 submissions from 2 submitters: Uncertain significance (1); Likely benign (1). Last evaluated 2025-05-08.

Conditions:
Glutaric acidemia type 2C.
ETFDH-related disorder. Also called: ETFDH-related condition.

Allele frequency attached by ClinVar (database versions not stated): gnomAD exomes below 0.00001; TOPMed below 0.00001; gnomAD 0.00001.
gnomAD v4.1: 2 of 1,505,690 alleles (0.00013%); highest among the groups gnomAD compares: African/African-American, 0.0027%; no homozygotes.

Submissions (2):

Natera, Inc.
Classification: Uncertain significance for Glutaric acidemia type 2C. Last evaluated: 2025-05-08. Review status: no assertion criteria provided. Collection method: clinical testing. Allele origin: germline.

PreventionGenetics, part of Exact Sciences
Classification: Likely benign for ETFDH-related condition. Last evaluated: 2020-08-25. Review status: no assertion criteria provided. Collection method: clinical testing. Allele origin: germline.
Comment: This variant is classified as likely benign based on ACMG/AMP sequence variant interpretation guidelines (Richards et al. 2015 PMID: 25741868, with internal and published modifications).